The following is an entry in ClinVar:

NM_000222.3(KIT):c.2912T>A (p.Leu971His)

Gene: KIT (KIT proto-oncogene, receptor tyrosine kinase; plus strand). Cytogenetic location: 4q12.
Variant type: single nucleotide variant.
Coding change: c.2912T>A on transcript NM_000222.3 (MANE Select); coding-DNA position 2912, T replaced by A.
Protein change: p.Leu971His; replaces leucine 971 with histidine.
Molecular consequence: missense variant.
Genome position (GRCh38, 1-based): chr4:54,738,538, T>A. VCF-style: chr4-54738538-T-A. GRCh37 (hg19) VCF-style: chr4-55604704-T-A.
Other names: c.2900T>A, p.Leu967His (NM_001093772.2, NM_001385292.1); c.2915T>A, p.Leu972His (NM_001385284.1); c.2909T>A, p.Leu970His (NM_001385285.1); c.2897T>A, p.Leu966His (NM_001385286.1); c.2903T>A, p.Leu968His (NM_001385288.1); c.2912T>A, p.Leu971His (NM_001385290.1); short protein forms L967H, L971H, L966H, L968H, L970H, L972H.
Identifiers: ClinVar variation 965805 (VCV000965805.10), dbSNP rs929287265, ClinGen allele CA356916564.

ClinVar aggregate classification (germline): Uncertain significance (1 of 4 stars; one submission).

Conditions:
Gastrointestinal stromal tumor. Also called: Gastrointestinal stromal tumor, somatic; Gastrointestinal stroma tumor. Identifiers: Orphanet 44890, MedGen C0238198, MeSH D046152, MONDO:0011719, OMIM 606764, HP:0100723.

gnomAD v4.1: 1 of 1,614,084 alleles (0.000062%); highest among the groups gnomAD compares: Non-Finnish European, 0.000085%; no homozygotes.

Submission:

Labcorp Genetics (formerly Invitae), Labcorp
Classification: Uncertain significance for Gastrointestinal stromal tumor. Last evaluated: 2019-11-13. Review status: criteria provided, single submitter. Criteria: Invitae Variant Classification Sherloc (09022015). Collection method: clinical testing. Allele origin: germline.
Comment: Algorithms developed to predict the effect of missense changes on protein structure and function (SIFT, PolyPhen-2, Align-GVGD) all suggest that this variant is likely to be disruptive, but these predictions have not been confirmed by published functional studies and their clinical significance is uncertain. In summary, the available evidence is currently insufficient to determine the role of this variant in disease. Therefore, it has been classified as a Variant of Uncertain Significance. This variant has not been reported in the literature in individuals with KIT-related conditions. This variant is not present in population databases (ExAC no frequency). This sequence change replaces leucine with histidine at codon 971 of the KIT protein (p.Leu971His). The leucine residue is highly conserved and there is a moderate physicochemical difference between leucine and histidine.